The following is an entry in ClinVar:

NM_017780.4(CHD7):c.893C>T (p.Thr298Ile)

Gene: CHD7 (chromodomain helicase DNA binding protein 7; plus strand). Cytogenetic location: 8q12.2.
Variant type: single nucleotide variant.
Coding change: c.893C>T on transcript NM_017780.4 (MANE Select); coding-DNA position 893, C replaced by T.
Protein change: p.Thr298Ile; replaces threonine 298 with isoleucine.
Molecular consequence: missense variant.
Genome position (GRCh38, 1-based): chr8:60,742,325, C>T. VCF-style: chr8-60742325-C-T. GRCh37 (hg19) VCF-style: chr8-61654884-C-T.
Other names: c.893C>T, p.Thr298Ile (NM_001316690.1); short protein forms T298I.
Identifiers: ClinVar variation 4680927 (VCV004680927.1).

ClinVar aggregate classification (germline): Uncertain significance (1 of 4 stars; one submission).

Submission:

GeneDx
Classification: Uncertain significance. Last evaluated: 2025-07-02. Review status: criteria provided, single submitter. Criteria: GeneDx Variant Classification Process June 2021. Collection method: clinical testing. Allele origin: germline. Affected: yes.
Comment: Not observed at significant frequency in large population cohorts (gnomAD); In silico analysis suggests that this missense variant does not alter protein structure/function; Has not been previously published as pathogenic or benign to our knowledge